The following is an entry in ClinVar:

ClinVar aggregate classification (germline): Uncertain significance (1 of 4 stars; one submission).

Conditions:
Cardiovascular phenotype. Identifiers: MedGen CN230736.

Submission:

Ambry Genetics
Classification: Uncertain significance for Cardiovascular phenotype. Last evaluated: 2023-11-01. Review status: criteria provided, single submitter. Criteria: Ambry Variant Classification Scheme 2023. Collection method: clinical testing. Allele origin: germline.
Comment: The p.S579L variant (also known as c.1736C>T), located in coding exon 12 of the NEXN gene, results from a C to T substitution at nucleotide position 1736. The serine at codon 579 is replaced by leucine, an amino acid with dissimilar properties. This amino acid position is conserved. In addition, this alteration is predicted to be tolerated by in silico analysis. Since supporting evidence is limited at this time, the clinical significance of this alteration remains unclear.

NM_144573.4(NEXN):c.1736C>T (p.Ser579Leu)

Gene: NEXN (nexilin F-actin binding protein; plus strand). Cytogenetic location: 1p31.1.
Variant type: single nucleotide variant.
Coding change: c.1736C>T on transcript NM_144573.4 (MANE Select); coding-DNA position 1736, C replaced by T.
Protein change: p.Ser579Leu; replaces serine 579 with leucine.
Molecular consequence: missense variant.
Genome position (GRCh38, 1-based): chr1:77,942,537, C>T. VCF-style: chr1-77942537-C-T. GRCh37 (hg19) VCF-style: chr1-78408222-C-T.
Other names: c.1544C>T, p.Ser515Leu (NM_001172309.2); short protein forms S515L, S579L.
Identifiers: ClinVar variation 3229172 (VCV003229172.1), dbSNP rs1557998064, ClinGen allele CA340882238.
Genomic context (GRCh38, chr1:77,942,537, plus strand): 5'-AGGAGGAAGAAGGTAGCATCATGAATGGCTCCACTGCTGAAGATGAAGAGCAAACCAGAT[C>T]AGGAGCTCCATGGTTCAAGAAGCCTCTTAAAAACACATCAGTTGTAGACAGTGAGCCAGT-3'
Protein context (NP_653174.3, residues 569-589): STAEDEEQTR[Ser579Leu]GAPWFKKPLK